The following is an entry in ClinVar:

ClinVar aggregate classification (germline): Uncertain significance (1 of 4 stars; one submission).

Allele frequency attached by ClinVar (database versions not stated): TOPMed below 0.00001.

Submission:

Ambry Genetics
Classification: Uncertain significance. Last evaluated: 2022-12-26. Review status: criteria provided, single submitter. Criteria: Ambry Variant Classification Scheme 2023. Collection method: clinical testing. Allele origin: germline.
Comment: The p.P1884S variant (also known as c.5650C>T), located in coding exon 17 of the POLQ gene, results from a C to T substitution at nucleotide position 5650. The proline at codon 1884 is replaced by serine, an amino acid with similar properties. This amino acid position is conserved. In addition, this alteration is predicted to be tolerated by in silico analysis. Since supporting evidence is limited at this time, the clinical significance of this alteration remains unclear.

NM_199420.4(POLQ):c.5650C>T (p.Pro1884Ser)

Gene: POLQ (DNA polymerase theta; minus strand). Cytogenetic location: 3q13.33.
Variant type: single nucleotide variant.
Coding change: c.5650C>T on transcript NM_199420.4 (MANE Select); coding-DNA position 5650, C replaced by T.
Protein change: p.Pro1884Ser; replaces proline 1884 with serine.
Molecular consequence: missense variant.
Genome position (GRCh38, 1-based): chr3:121,485,164, G>A on the plus strand (C>T on the coding strand, the complement: POLQ is on the minus strand). VCF-style: chr3-121485164-G-A. GRCh37 (hg19) VCF-style: chr3-121204011-G-A.
Other names: short protein forms P1884S.
Identifiers: ClinVar variation 2497196 (VCV002497196.2), dbSNP rs1016237956, ClinGen allele CA81832079.
Genomic context (GRCh38, chr3:121,485,164, plus strand): 5'-CCAGTCCAACCACCAAGGTGTCATCACAACCTTTAATGGGAAATCCATCATCTCTAATAG[G>A]AATTTCCTGAGGTGAGCTAGCTAAGTAAAACAAAAGTGAAACAGTTAAAAATCTCTAAAA-3'
Protein context (NP_955452.3, residues 1874-1894): FKQASSPQEI[Pro1884Ser]IRDDGFPIKG